The following is an entry in ClinVar:

ClinVar aggregate classification (germline): Pathogenic (1 of 4 stars; one submission).

Allele frequency attached by ClinVar (database versions not stated): gnomAD exomes below 0.00001.
gnomAD v4.1: 1 of 1,498,868 alleles (0.000067%); highest among the groups gnomAD compares: Non-Finnish European, 0.000089%; no homozygotes.

Submission:

CeGaT Center for Human Genetics Tuebingen
Classification: Pathogenic. Last evaluated: 2022-04-01. Review status: criteria provided, single submitter. Criteria: CeGaT Center For Human Genetics Tuebingen Variant Classification Criteria Version 2. Collection method: clinical testing. Allele origin: germline. Affected: yes. Observed: 1 variant allele.
Comment: CACNA1A: PVS1, PM2, PP4

NM_001127222.2(CACNA1A):c.2974G>T (p.Glu992Ter)

Gene: CACNA1A (calcium voltage-gated channel subunit alpha1 A; minus strand). Cytogenetic location: 19p13.13.
Variant type: single nucleotide variant.
Coding change: c.2974G>T on transcript NM_001127222.2 (MANE Select); coding-DNA position 2974, G replaced by T.
Protein change: p.Glu992Ter; replaces glutamic acid 992 with a stop codon.
Molecular consequence: nonsense.
Genome position (GRCh38, 1-based): chr19:13,298,659, C>A on the plus strand (G>T on the coding strand, the complement: CACNA1A is on the minus strand). VCF-style: chr19-13298659-C-A. GRCh37 (hg19) VCF-style: chr19-13409473-C-A.
Other names: c.2977G>T, p.Glu993Ter (NM_001174080.2, NM_001127221.2); c.2986G>T, p.Glu996Ter (NM_023035.3, NM_000068.4); short protein forms E992*, E993*, E996*.
Identifiers: ClinVar variation 1694899 (VCV001694899.31), dbSNP rs2057722066, ClinGen allele CA404342335.